The following is an entry in ClinVar:

ClinVar aggregate classification (germline): Conflicting classifications of pathogenicity. Review status: criteria provided, conflicting classifications (1 of 4 stars). 3 submissions from 3 submitters: Uncertain significance (2); Likely benign (1). Last evaluated 2026-01-11.

Conditions:
Inborn genetic diseases. Identifiers: MedGen C0950123, MeSH D030342.

Allele frequency attached by ClinVar (database versions not stated): gnomAD exomes below 0.00001; TOPMed 0.00001; gnomAD 0.00001.
gnomAD v4.1: 3 of 1,612,260 alleles (0.00019%); highest among the groups gnomAD compares: African/African-American, 0.004%; no homozygotes.

Submissions (3):

Labcorp Genetics (formerly Invitae), Labcorp
Classification: Likely benign. Last evaluated: 2026-01-11. Review status: criteria provided, single submitter. Criteria: Invitae Variant Classification Sherloc (09022015). Collection method: clinical testing. Allele origin: germline.

Ambry Genetics
Classification: Uncertain significance for Inborn genetic diseases. Last evaluated: 2024-10-06. Review status: criteria provided, single submitter. Criteria: Ambry Variant Classification Scheme 2023. Collection method: clinical testing. Allele origin: germline.

GeneDx
Classification: Uncertain significance. Last evaluated: 2022-05-17. Review status: criteria provided, single submitter. Criteria: GeneDx Variant Classification Process June 2021. Collection method: clinical testing. Allele origin: germline. Affected: yes.
Comment: In silico analysis supports that this missense variant has a deleterious effect on protein structure/function; Has not been previously published as pathogenic or benign to our knowledge

NM_015559.3(SETBP1):c.4357A>G (p.Arg1453Gly)

Gene: SETBP1 (SET binding protein 1; plus strand). Cytogenetic location: 18q12.3.
Variant type: single nucleotide variant.
Coding change: c.4357A>G on transcript NM_015559.3 (MANE Select); coding-DNA position 4357, A replaced by G.
Protein change: p.Arg1453Gly; replaces arginine 1453 with glycine.
Molecular consequence: missense variant.
Genome position (GRCh38, 1-based): chr18:45,063,264, A>G. VCF-style: chr18-45063264-A-G. GRCh37 (hg19) VCF-style: chr18-42643229-A-G.
Other names: c.4357A>G, p.Arg1453Gly (NM_001379141.1, NM_001379142.1); short protein forms R1453G.
Identifiers: ClinVar variation 1686661 (VCV001686661.4), dbSNP rs1197935007, ClinGen allele CA402483227.